The following is an entry in ClinVar:

ClinVar aggregate classification (germline): Likely benign. Review status: criteria provided, multiple submitters, no conflicts (2 of 4 stars). 2 submissions from 2 submitters: Likely benign (2). Last evaluated 2026-05-01.

Conditions:
Fanconi anemia (FA). Also called: Fanconi's anemia. Identifiers: Orphanet 84, MedGen C0015625, MeSH D005199, MONDO:0019391.

Allele frequency attached by ClinVar (database versions not stated): gnomAD 0.00032; ESP Exome Variant Server 0.00038; 1000 Genomes Project 0.00080; 1000 Genomes Project 30x 0.00094; gnomAD exomes 0.00004 and 0.00007; ExAC 0.00015; TOPMed 0.00029.
gnomAD v4.1: 114 of 1,611,754 alleles (0.0071%); highest among the groups gnomAD compares: African/African-American, 0.13%; 1 homozygote.

Submissions (2):

CeGaT Center for Human Genetics Tuebingen
Classification: Likely benign. Last evaluated: 2026-05-01. Review status: criteria provided, single submitter. Criteria: CeGaT Center For Human Genetics Tuebingen Variant Classification Criteria Version 2. Collection method: clinical testing. Allele origin: germline. Affected: yes. Observed: 3 variant alleles.
Comment: FANCI: BP4

Labcorp Genetics (formerly Invitae), Labcorp
Classification: Likely benign for Fanconi anemia. Last evaluated: 2025-12-24. Review status: criteria provided, single submitter. Criteria: Invitae Variant Classification Sherloc (09022015). Collection method: clinical testing. Allele origin: germline.

NM_001113378.2(FANCI):c.3947G>A (p.Gly1316Glu)

Genes: FANCI (FA complementation group I; plus strand), POLG (DNA polymerase gamma, catalytic subunit; minus strand). Cytogenetic location: 15q26.1.
Variant type: single nucleotide variant.
Coding change: c.3947G>A on transcript NM_001113378.2 (MANE Select); coding-DNA position 3947, G replaced by A.
Protein change: p.Gly1316Glu; replaces glycine 1316 with glutamic acid.
Molecular consequence: missense variant. On other transcripts: 3 prime UTR variant (2).
Genome position (GRCh38, 1-based): chr15:89,316,419, G>A. VCF-style: chr15-89316419-G-A. GRCh37 (hg19) VCF-style: chr15-89859650-G-A.
Other names: c.*332C>T (NM_001126131.2, NM_002693.3); c.3668G>A, p.Gly1223Glu (NM_001376910.1); c.3947G>A, p.Gly1316Glu (NM_001376911.1); c.3767G>A, p.Gly1256Glu (NM_018193.3); short protein forms G1316E, G1256E, G1223E.
Identifiers: ClinVar variation 456221 (VCV000456221.51), dbSNP rs138461165, ClinGen allele CA7723993.